The following is an entry in ClinVar:

NM_006005.3(WFS1):c.2470G>A (p.Glu824Lys)

Gene: WFS1 (wolframin ER transmembrane glycoprotein; plus strand). Cytogenetic location: 4p16.1.
Variant type: single nucleotide variant.
Coding change: c.2470G>A on transcript NM_006005.3 (MANE Select); coding-DNA position 2470, G replaced by A.
Protein change: p.Glu824Lys; replaces glutamic acid 824 with lysine.
Molecular consequence: missense variant.
Genome position (GRCh38, 1-based): chr4:6,302,265, G>A. VCF-style: chr4-6302265-G-A. GRCh37 (hg19) VCF-style: chr4-6303992-G-A.
Other names: c.2470G>A, p.Glu824Lys (NM_001145853.1); short protein forms E824K.
Identifiers: ClinVar variation 166612 (VCV000166612.20), dbSNP rs367547063, ClinGen allele CA179683.

ClinVar aggregate classification (germline): Conflicting classifications of pathogenicity. Review status: criteria provided, conflicting classifications (1 of 4 stars). 7 submissions from 7 submitters: Likely risk allele (1); Uncertain significance (6). Last evaluated 2024-03-21.

Conditions:
Cataract 41 (CTRCT41). Also called: CATARACT 41, CONGENITAL NUCLEAR TYPE. Identifiers: Orphanet 91492, Orphanet 98991, Orphanet 98992, Orphanet 98995, MedGen C3805412, MONDO:0007287, OMIM 116400.
Wolfram syndrome 1 (WFS1). Identifiers: Orphanet 3463, MedGen C4551693, MONDO:0009101, OMIM 222300.
Wolfram-like syndrome. Also called: HEARING LOSS, PROGRESSIVE, WITH OPTIC ATROPHY AND/OR IMPAIRED GLUCOSE REGULATION. Identifiers: Orphanet 411590, MedGen C3280358, MONDO:0013673, OMIM 614296.
Autosomal dominant nonsyndromic hearing loss 6 (LFSNHL). Also called: Autosomal dominant nonsyndromic deafness 6; DEAFNESS, AUTOSOMAL DOMINANT 6; DEAFNESS, AUTOSOMAL DOMINANT 14; DEAFNESS, AUTOSOMAL DOMINANT 38. Identifiers: Orphanet 90635, MedGen C1833021, MONDO:0010963, OMIM 600965.
Type 2 diabetes mellitus. Also called: Type II diabetes mellitus. Identifiers: MedGen C0011860, MeSH D003924, MONDO:0005148, OMIM 125853, HP:0005978.

Allele frequency attached by ClinVar (database versions not stated): ExAC 0.00001; gnomAD exomes 0.00001; gnomAD 0.00002; TOPMed 0.00002; ESP Exome Variant Server 0.00008.
gnomAD v4.1: 76 of 1,604,748 alleles (0.0047%); highest among the groups gnomAD compares: Non-Finnish European, 0.0064%; no homozygotes.

Submissions (7):

Labcorp Genetics (formerly Invitae), Labcorp
Classification: Uncertain significance. Last evaluated: 2024-03-21. Review status: criteria provided, single submitter. Criteria: Invitae Variant Classification Sherloc (09022015). Collection method: clinical testing. Allele origin: germline.
Comment: This sequence change replaces glutamic acid, which is acidic and polar, with lysine, which is basic and polar, at codon 824 of the WFS1 protein (p.Glu824Lys). This variant is present in population databases (rs367547063, gnomAD 0.0009%). This missense change has been observed in individual(s) with clinical features of Wolfram/Wolfram-like syndrome (PMID: 31363008). ClinVar contains an entry for this variant (Variation ID: 166612). Advanced modeling of protein sequence and biophysical properties (such as structural, functional, and spatial information, amino acid conservation, physicochemical variation, residue mobility, and thermodynamic stability) has been performed at Invitae for this missense variant, however the output from this modeling did not meet the statistical confidence thresholds required to predict the impact of this variant on WFS1 protein function. In summary, the available evidence is currently insufficient to determine the role of this variant in disease. Therefore, it has been classified as a Variant of Uncertain Significance.

Blueprint Genetics
Classification: Uncertain significance. Last evaluated: 2023-02-02. Review status: criteria provided, single submitter. Criteria: ACMG Guidelines, 2015. Collection method: clinical testing. Allele origin: germline.

Fulgent Genetics
Classification: Uncertain significance for Cataract 41; Type 2 diabetes mellitus; Wolfram syndrome 1; Autosomal dominant nonsyndromic hearing loss 6; Wolfram-like syndrome. Last evaluated: 2022-03-25. Review status: criteria provided, single submitter. Criteria: ACMG Guidelines, 2015. Collection method: clinical testing. Allele origin: unknown.

GeneDx
Classification: Uncertain significance. Last evaluated: 2020-07-21. Review status: criteria provided, single submitter. Criteria: GeneDx Variant Classification Process June 2021. Collection method: clinical testing. Allele origin: germline. Affected: yes.
Comment: Not observed at a significant frequency in large population cohorts (Lek et al., 2016); In silico analysis supports that this missense variant does not alter protein structure/function; This variant is associated with the following publications: (PMID: 31363008)

Eurofins Ntd Llc (ga)
Classification: Uncertain significance. Last evaluated: 2016-11-02. Review status: criteria provided, single submitter. Criteria: EGL Classification Definitions 2015. Collection method: clinical testing. Allele origin: germline. Observed: 1 variant allele, 1 heterozygote.

Laboratory for Molecular Medicine, Mass General Brigham Personalized Medicine
Classification: Uncertain significance. Last evaluated: 2013-06-12. Review status: criteria provided, single submitter. Criteria: LMM Criteria. Collection method: clinical testing. Allele origin: germline. Inheritance: Autosomal dominant inheritance. Observed: 2 variant alleles.
Comment: Variant classified as Uncertain Significance - Favor Pathogenic. The Glu824Lys i n WFS1 has not been reported in affected individuals, but has been identified in 0.01% (1/8600) of European American chromosomes from a broad population by the NHLBI Exome Sequencing Project. Although thi s variant has been seen in this cohort, it should be noted that for diseases wit h clinical variability, reduced penetrance, or recessive inheritance, pathogenic variants may be present at a low frequency in the general population. Computati onal analyses (biochemical amino acid properties, conservation, AlignGVGD, PolyP hen2, and SIFT) do not provide strong support for or against an impact to the pr otein. In summary, additional information is needed to fully assess the clinical significance of this variant.

Clinical Genomics, Uppaluri K&H Personalized Medicine Clinic
Classification: Likely risk allele for Wolfram syndrome 1. Review status: criteria provided, single submitter. Criteria: K & H Uppaluri Personalized Medicine Clinic Variant Classification & Assertion Criteria_Updated V.1. Collection method: research. Allele origin: unknown. Inheritance: Autosomal recessive inheritance.
Comment: Potent mutations in WFS1 gene are associated with Wolfram's syndrome, an autosomal recessive condition, which cause diabetes mellitus, diabetes insipidus, deafness and optic atrophy. However no sufficient evidence is found to ascertain the role of this particular variant rs367547063 in Wolfram's syndrome yet.

Literature cited by the submitters: PubMed 31363008 (cited by Labcorp Genetics (formerly Invitae), Labcorp); PubMed 20738327 (cited by Clinical Genomics, Uppaluri K&H Personalized Medicine Clinic); PubMed 33879153 (cited by Clinical Genomics, Uppaluri K&H Personalized Medicine Clinic); PubMed 12955714 (cited by Clinical Genomics, Uppaluri K&H Personalized Medicine Clinic); PubMed 18060660 (cited by Clinical Genomics, Uppaluri K&H Personalized Medicine Clinic); PubMed 20301750 (cited by Clinical Genomics, Uppaluri K&H Personalized Medicine Clinic); PubMed 17603484 (cited by Clinical Genomics, Uppaluri K&H Personalized Medicine Clinic).